The following is an entry in ClinVar:

ClinVar aggregate classification (germline): Uncertain significance. Review status: criteria provided, multiple submitters, no conflicts (2 of 4 stars). 3 submissions from 3 submitters: Uncertain significance (2). 1 of the submissions does not count toward it. Last evaluated 2017-07-19.

Conditions:
Autosomal recessive nonsyndromic hearing loss 77. Identifiers: Orphanet 90636, MedGen C2746083, MONDO:0013119, OMIM 613079.

Allele frequency attached by ClinVar (database versions not stated): gnomAD exomes 0.00001 and 0.00002; TOPMed 0.00003.
gnomAD v4.1: 5 of 1,545,912 alleles (0.00032%); highest among the groups gnomAD compares: Admixed American, 0.0098%; no homozygotes.

Submissions (3):

GeneDx
Classification: Uncertain significance. Last evaluated: 2017-07-19. Review status: criteria provided, single submitter. Criteria: GeneDx Variant Classification (06012015). Collection method: clinical testing. Allele origin: germline. Affected: yes.
Comment: The P2209L variant in the LOXHD1 gene has not been reported previously as a pathogenic variant, nor as a benign variant, to our knowledge. The P2209L variant is not observed in large population cohorts (Lek et al., 2016; 1000 Genomes Consortium et al., 2015; Exome Variant Server). The P2209L variant is a semi-conservative amino acid substitution, which may impact secondary protein structure as these residues differ in some properties. This substitution occurs at a position that is conserved across species. In silico analysis predicts this variant is probably damaging to the protein structure/function. We interpret P2209L as a variant of uncertain significance.

Blueprint Genetics
Classification: Uncertain significance. Last evaluated: 2017-07-10. Review status: criteria provided, single submitter. Criteria: ACMG Guidelines, 2015. Collection method: clinical testing. Allele origin: germline.

Natera, Inc.
Classification: Uncertain significance for Autosomal recessive deafness type 77. Last evaluated: 2019-10-28. Review status: no assertion criteria provided. Collection method: clinical testing. Allele origin: germline. Not counted in ClinVar's aggregate classification.

NM_001384474.1(LOXHD1):c.6812C>T (p.Pro2271Leu)

Gene: LOXHD1 (lipoxygenase homology PLAT domains 1; minus strand). Cytogenetic location: 18q21.1.
Variant type: single nucleotide variant.
Coding change: c.6812C>T on transcript NM_001384474.1 (MANE Select); coding-DNA position 6812, C replaced by T.
Protein change: p.Pro2271Leu; replaces proline 2271 with leucine.
Molecular consequence: missense variant. On other transcripts: intron variant (3).
Genome position (GRCh38, 1-based): chr18:46,477,482, G>A on the plus strand (C>T on the coding strand, the complement: LOXHD1 is on the minus strand). VCF-style: chr18-46477482-G-A. GRCh37 (hg19) VCF-style: chr18-44057445-G-A.
Other names: c.1529C>T, p.Pro510Leu (NM_001145473.3); c.6626C>T, p.Pro2209Leu (NM_144612.7); c.3307+172C>T (NM_001145472.3); c.3033+158C>T (NM_001308013.2); c.1371+158C>T (NM_001173129.2); short protein forms P2209L, P510L, P2271L.
Identifiers: ClinVar variation 450570 (VCV000450570.4), dbSNP rs950165733, ClinGen allele CA299792065.
Genomic context (GRCh38, chr18:46,477,482, plus strand): 5'-AGAAATGTGAGATTGGGGCATCTCAGTGAGAGGGTGGGGGCCCTAGCCCCTCAGACAGAA[G>A]GGAAGAGGTCTCTCCAGGTGAGTCCATCCCCCCGCTTCTTGTCCAGCCACCTGCCACAGT-3'
Protein context (NP_001371403.1, residues 2261-2273): GDGLTWRDLF[Pro2271Leu]SV